The following is an entry in ClinVar:

NM_015978.3(TNNI3K):c.1802A>T (p.His601Leu)

Genes: FPGT-TNNI3K (FPGT-TNNI3K readthrough; plus strand), TNNI3K (TNNI3 interacting kinase; plus strand). Cytogenetic location: 1p31.1.
Variant type: single nucleotide variant.
Coding change: c.1802A>T on transcript NM_015978.3 (MANE Select); coding-DNA position 1802, A replaced by T.
Protein change: p.His601Leu; replaces histidine 601 with leucine.
Molecular consequence: missense variant.
Genome position (GRCh38, 1-based): chr1:74,436,109, A>T. VCF-style: chr1-74436109-A-T. GRCh37 (hg19) VCF-style: chr1-74901793-A-T.
Other names: c.2105A>T, p.His702Leu (NM_001112808.3, NM_001199327.2); c.1802A>T (NM_015978.2); short protein forms H702L, H601L.
Identifiers: ClinVar variation 1502111 (VCV001502111.10), dbSNP rs1557564176, ClinGen allele CA340788757.

ClinVar aggregate classification (germline): Uncertain significance. Review status: criteria provided, multiple submitters, no conflicts (2 of 4 stars). 3 submissions from 3 submitters: Uncertain significance (3). Last evaluated 2026-09-21.

Conditions:
Cardiovascular phenotype. Identifiers: MedGen CN230736.
Inborn genetic diseases. Identifiers: MedGen C0950123, MeSH D030342.

Allele frequency attached by ClinVar (database versions not stated): gnomAD exomes below 0.00001.

Submissions (3):

Molecular Diagnostic Laboratory for Inherited Cardiovascular Disease, Montreal Heart Institute
Classification: Uncertain significance for Cardiovascular phenotype. Last evaluated: 2026-09-21. Review status: criteria provided, single submitter. Criteria: ACMG Guidelines, 2015. Collection method: clinical testing. Allele origin: germline. Affected: yes.
Comment: PM1, PM2

Ambry Genetics
Classification: Uncertain significance for Inborn genetic diseases. Last evaluated: 2025-06-06. Review status: criteria provided, single submitter. Criteria: Ambry Variant Classification Scheme 2023. Collection method: clinical testing. Allele origin: germline.

Labcorp Genetics (formerly Invitae), Labcorp
Classification: Uncertain significance. Last evaluated: 2025-03-19. Review status: criteria provided, single submitter. Criteria: Invitae Variant Classification Sherloc (09022015). Collection method: clinical testing. Allele origin: germline.
Comment: This sequence change replaces histidine, which is basic and polar, with leucine, which is neutral and non-polar, at codon 601 of the TNNI3K protein (p.His601Leu). This variant is not present in population databases (gnomAD no frequency). This variant has not been reported in the literature in individuals affected with TNNI3K-related conditions. ClinVar contains an entry for this variant (Variation ID: 1502111). An algorithm developed to predict the effect of missense changes on protein structure and function (PolyPhen-2) suggests that this variant is likely to be disruptive. In summary, the available evidence is currently insufficient to determine the role of this variant in disease. Therefore, it has been classified as a Variant of Uncertain Significance.